The following is an entry in ClinVar:

NM_014000.3(VCL):c.2835G>T (p.Met945Ile)

Gene: VCL (vinculin; plus strand). Cytogenetic location: 10q22.2.
Variant type: single nucleotide variant.
Coding change: c.2835G>T on transcript NM_014000.3 (MANE Select); coding-DNA position 2835, G replaced by T.
Protein change: p.Met945Ile; replaces methionine 945 with isoleucine.
Molecular consequence: missense variant. On other transcripts: intron variant (1).
Genome position (GRCh38, 1-based): chr10:74,111,998, G>T. VCF-style: chr10-74111998-G-T. GRCh37 (hg19) VCF-style: chr10-75871756-G-T.
Other names: c.2746-2186G>T (NM_003373.4); short protein forms M945I.
Identifiers: ClinVar variation 2871573 (VCV002871573.3), dbSNP rs2549235937, ClinGen allele CA377264698.

ClinVar aggregate classification (germline): Uncertain significance (1 of 4 stars; one submission).

Conditions:
Dilated cardiomyopathy 1W (CMD1W). Identifiers: Orphanet 154, MedGen C1969639, MONDO:0012667, OMIM 611407.

Submission:

Labcorp Genetics (formerly Invitae), Labcorp
Classification: Uncertain significance for Dilated cardiomyopathy 1W. Last evaluated: 2024-01-16. Review status: criteria provided, single submitter. Criteria: Invitae Variant Classification Sherloc (09022015). Collection method: clinical testing. Allele origin: germline.
Comment: This sequence change replaces methionine, which is neutral and non-polar, with isoleucine, which is neutral and non-polar, at codon 945 of the VCL protein (p.Met945Ile). This variant is not present in population databases (gnomAD no frequency). This variant has not been reported in the literature in individuals affected with VCL-related conditions. An algorithm developed to predict the effect of missense changes on protein structure and function (PolyPhen-2) suggests that this variant is likely to be tolerated. In summary, the available evidence is currently insufficient to determine the role of this variant in disease. Therefore, it has been classified as a Variant of Uncertain Significance.